The following is an entry in ClinVar:

NM_198253.3(TERT):c.1606C>A (p.Leu536Met)

Gene: TERT (telomerase reverse transcriptase; minus strand). Cytogenetic location: 5p15.33.
Variant type: single nucleotide variant.
Coding change: c.1606C>A on transcript NM_198253.3 (MANE Select); coding-DNA position 1606, C replaced by A.
Protein change: p.Leu536Met; replaces leucine 536 with methionine.
Molecular consequence: missense variant. On other transcripts: non-coding transcript variant (2).
Genome position (GRCh38, 1-based): chr5:1,282,592, G>T on the plus strand (C>A on the coding strand, the complement: TERT is on the minus strand). VCF-style: chr5-1282592-G-T. GRCh37 (hg19) VCF-style: chr5-1282707-G-T.
Other names: c.1606C>A (NM_198253.2); c.1606C>A, p.Leu536Met (NM_001193376.3); short protein forms L536M.
Identifiers: ClinVar variation 1437745 (VCV001437745.9), dbSNP rs1049929004, ClinGen allele CA112951976.

ClinVar aggregate classification (germline): Uncertain significance. Review status: criteria provided, multiple submitters, no conflicts (2 of 4 stars). 2 submissions from 2 submitters: Uncertain significance (2). Last evaluated 2024-11-10.

Conditions:
Idiopathic Pulmonary Fibrosis. Also called: Idiopathic fibrosing alveolitis, chronic form; idiopathic fibrosing alveolitis. Identifiers: Orphanet 2032, MedGen C1800706, MeSH D054990, MONDO:0800504.
Dyskeratosis congenita, autosomal dominant 2. Identifiers: MedGen C3151443, MONDO:0013521, OMIM 613989.

Submissions (2):

GeneDx
Classification: Uncertain significance. Last evaluated: 2024-11-10. Review status: criteria provided, single submitter. Criteria: GeneDx Variant Classification Process June 2021. Collection method: clinical testing. Allele origin: germline. Affected: yes.
Comment: Not observed at significant frequency in large population cohorts (gnomAD); In silico analysis indicates that this missense variant does not alter protein structure/function; Has not been previously published as pathogenic or benign to our knowledge

Labcorp Genetics (formerly Invitae), Labcorp
Classification: Uncertain significance for Dyskeratosis congenita, autosomal dominant 2; Idiopathic Pulmonary Fibrosis. Last evaluated: 2022-11-22. Review status: criteria provided, single submitter. Criteria: Invitae Variant Classification Sherloc (09022015). Collection method: clinical testing. Allele origin: germline.
Comment: This sequence change replaces leucine, which is neutral and non-polar, with methionine, which is neutral and non-polar, at codon 536 of the TERT protein (p.Leu536Met). This variant is not present in population databases (gnomAD no frequency). This variant has not been reported in the literature in individuals affected with TERT-related conditions. ClinVar contains an entry for this variant (Variation ID: 1437745). Advanced modeling of protein sequence and biophysical properties (such as structural, functional, and spatial information, amino acid conservation, physicochemical variation, residue mobility, and thermodynamic stability) performed at Invitae indicates that this missense variant is expected to disrupt TERT protein function. In summary, the available evidence is currently insufficient to determine the role of this variant in disease. Therefore, it has been classified as a Variant of Uncertain Significance.